The following is an entry in ClinVar:

NM_001999.4(FBN2):c.6346C>T (p.Pro2116Ser)

Gene: FBN2 (fibrillin 2; minus strand). Cytogenetic location: 5q23.3.
Variant type: single nucleotide variant.
Coding change: c.6346C>T on transcript NM_001999.4 (MANE Select); coding-DNA position 6346, C replaced by T.
Protein change: p.Pro2116Ser; replaces proline 2116 with serine.
Molecular consequence: missense variant.
Genome position (GRCh38, 1-based): chr5:128,290,831, G>A on the plus strand (C>T on the coding strand, the complement: FBN2 is on the minus strand). VCF-style: chr5-128290831-G-A. GRCh37 (hg19) VCF-style: chr5-127626523-G-A.
Other names: short protein forms P2116S.
Identifiers: ClinVar variation 1752974 (VCV001752974.4), dbSNP rs2479682454, ClinGen allele CA360763987.

ClinVar aggregate classification (germline): Uncertain significance. Review status: criteria provided, multiple submitters, no conflicts (2 of 4 stars). 2 submissions from 2 submitters: Uncertain significance (2). Last evaluated 2024-12-03.

Conditions:
Familial thoracic aortic aneurysm and aortic dissection (TAAD). Also called: Thoracic aortic aneurysms and dissections. Identifiers: Orphanet 91387, MedGen C4707243, MONDO:0019625.

Submissions (2):

Dasa
Classification: Uncertain significance. Last evaluated: 2024-12-03. Review status: criteria provided, single submitter. Criteria: DASA Assertion Criteria. Collection method: clinical testing. Allele origin: germline.
Comment: NM_001999.4(FBN2):c.6346C>T (p.Pro2116Ser) is a missense variant that results in the substitution of proline with serine. This variant is absent from population databases. Computational prediction algorithms are consistent with a deleterious effect. The currently available literature and clinical evidence are not sufficient to establish a definitive association between this variant and the reported condition. Therefore, this variant is classified as a variant of uncertain significance.

Ambry Genetics
Classification: Uncertain significance for Familial thoracic aortic aneurysm and aortic dissection. Last evaluated: 2020-03-28. Review status: criteria provided, single submitter. Criteria: Ambry Variant Classification Scheme 2023. Collection method: clinical testing. Allele origin: germline.
Comment: The p.P2116S variant (also known as c.6346C>T), located in coding exon 50 of the FBN2 gene, results from a C to T substitution at nucleotide position 6346. The proline at codon 2116 is replaced by serine, an amino acid with similar properties. This amino acid position is highly conserved in available vertebrate species. In addition, this alteration is predicted to be deleterious by in silico analysis. Since supporting evidence is limited at this time, the clinical significance of this alteration remains unclear.